The following is an entry in ClinVar:

NM_000057.4(BLM):c.4123del (p.Ser1375fs)

Gene: BLM (BLM RecQ like helicase; plus strand). Cytogenetic location: 15q26.1.
Variant type: Deletion.
Coding change: c.4123del on transcript NM_000057.4 (MANE Select); coding-DNA position 4123, one base deleted (A; older notation c.4123delA).
Protein change: p.Ser1375fs; shifts the reading frame from serine 1375.
Molecular consequence: frameshift variant.
Genome position (GRCh38, 1-based): chr15:90,815,148, A deleted. VCF-style (leftmost placement, unchanged base first): chr15-90815147-CA-C. GRCh37 (hg19) VCF-style: chr15-91358377-CA-C.
Other names: c.4123del (LRG_20t1); c.4123del, p.Ser1375fs (NM_001287246.2); c.3730del, p.Ser1244fs (NM_001287247.2); c.2998del, p.Ser1000fs (NM_001287248.2); short protein forms S1000fs, S1375fs, S1244fs.
Identifiers: ClinVar variation 553586 (VCV000553586.7), dbSNP rs1555425410, ClinGen allele CA658824112.
Genomic context (GRCh38, chr15:90,815,147, plus strand): 5'-TTTGTCACATTTCAGGGGGTCTGCCACATGTAGAAAGATATCTTCCAAAACGAAATCCTC[CA>C]GCATCATTGGATCCAGTTCAGCCTCACATACTTCTCAAGCGACATCAGGAGCCAATAGCA-3'

ClinVar aggregate classification (germline): Uncertain significance. Review status: criteria provided, single submitter (1 of 4 stars). 2 submissions from 2 submitters: Uncertain significance (1). 1 of the submissions does not count toward it. Last evaluated 2025-02-17.

Conditions:
Bloom syndrome (BLM). Also called: Bloom-Torre-Machacek syndrome. Identifiers: Orphanet 125, MedGen C0005859, MONDO:0008876, OMIM 210900.

Submissions (2):

Labcorp Genetics (formerly Invitae), Labcorp
Classification: Uncertain significance for Bloom syndrome. Last evaluated: 2025-02-17. Review status: criteria provided, single submitter. Criteria: Invitae Variant Classification Sherloc (09022015). Collection method: clinical testing. Allele origin: germline.
Comment: This sequence change creates a premature translational stop signal (p.Ser1375Alafs*31) in the BLM gene. While this is not anticipated to result in nonsense mediated decay, it is expected to disrupt the last 43 amino acid(s) of the BLM protein. This variant is not present in population databases (gnomAD no frequency). This premature translational stop signal has been observed in individual(s) with colorectal cancer (PMID: 31263571). ClinVar contains an entry for this variant (Variation ID: 553586). In summary, the available evidence is currently insufficient to determine the role of this variant in disease. Therefore, it has been classified as a Variant of Uncertain Significance.

Counsyl
Classification: Uncertain significance for Bloom syndrome. Last evaluated: 2017-08-30. Review status: no assertion criteria provided. Collection method: clinical testing. Allele origin: unknown. Not counted in ClinVar's aggregate classification.

Literature cited by the submitters: PubMed 31263571 (cited by Labcorp Genetics (formerly Invitae), Labcorp).